The following is an entry in ClinVar:

NM_004525.3(LRP2):c.1367T>G (p.Leu456Ter)

Gene: LRP2 (LDL receptor related protein 2; minus strand). Cytogenetic location: 2q31.1.
Variant type: single nucleotide variant.
Coding change: c.1367T>G on transcript NM_004525.3 (MANE Select); coding-DNA position 1367, T replaced by G.
Protein change: p.Leu456Ter; replaces leucine 456 with a stop codon.
Molecular consequence: nonsense.
Genome position (GRCh38, 1-based): chr2:169,279,570, A>C on the plus strand (T>G on the coding strand, the complement: LRP2 is on the minus strand). VCF-style: chr2-169279570-A-C. GRCh37 (hg19) VCF-style: chr2-170136080-A-C.
Other names: short protein forms L456*.
Identifiers: ClinVar variation 5014697 (VCV005014697.1).

ClinVar aggregate classification (germline): Pathogenic (1 of 4 stars; one submission).

Conditions:
Donnai-Barrow syndrome. Also called: DBS/FOAR SYNDROME; FACIOOCULOACOUSTICORENAL SYNDROME. Identifiers: Orphanet 2143, MedGen C1857277, MONDO:0009104, OMIM 222448.

Submission:

Myriad Genetics, Inc.
Classification: Pathogenic for Donnai-Barrow syndrome. Last evaluated: 2025-07-07. Review status: criteria provided, single submitter. Criteria: Myriad Autosomal Dominant, Autosomal Recessive and X-Linked Classification Criteria (2023). Collection method: clinical testing. Allele origin: unknown.
Comment: NM_004525.2(LRP2):c.1367T>G(L456*) is expected to be pathogenic in the context of Donnai-Barrow syndrome. This variant is predicted to lead to an abnormal or absent protein product due to the creation of a premature termination codon in LRP2, a gene where loss-of-function variants are known to be pathogenic. Please note: this variant was assessed in the context of healthy population screening.